The following is an entry in ClinVar:

NM_002386.4(MC1R):c.721G>A (p.Val241Ile)

Gene: MC1R (melanocortin 1 receptor; plus strand). Cytogenetic location: 16q24.3.
Variant type: single nucleotide variant.
Coding change: c.721G>A on transcript NM_002386.4 (MANE Select); coding-DNA position 721, G replaced by A.
Protein change: p.Val241Ile; replaces valine 241 with isoleucine.
Molecular consequence: missense variant.
Genome position (GRCh38, 1-based): chr16:89,919,979, G>A. VCF-style: chr16-89919979-G-A. GRCh37 (hg19) VCF-style: chr16-89986387-G-A.
Other names: short protein forms V241I.
Identifiers: ClinVar variation 4859644 (VCV004859644.1).

ClinVar aggregate classification (germline): Uncertain significance (1 of 4 stars; one submission).

Submission:

Ambry Genetics
Classification: Uncertain significance. Last evaluated: 2026-03-23. Review status: criteria provided, single submitter. Criteria: Ambry Variant Classification Scheme 2023. Collection method: clinical testing. Allele origin: germline.
Comment: The p.V241I variant (also known as c.721G>A), located in coding exon 1 of the MC1R gene, results from a G to A substitution at nucleotide position 721. The valine at codon 241 is replaced by isoleucine, an amino acid with highly similar properties. This amino acid position is conserved. In addition, this alteration is predicted to be tolerated by in silico analysis. Based on the available evidence, the clinical significance of this variant remains unclear.